The following is an entry in ClinVar:

ClinVar aggregate classification (germline): Conflicting classifications of pathogenicity. Review status: criteria provided, conflicting classifications (1 of 4 stars). 2 submissions from 2 submitters: Uncertain significance (1); Likely benign (1). Last evaluated 2025-12-30.

Conditions:
Inborn genetic diseases. Identifiers: MedGen C0950123, MeSH D030342.

Allele frequency attached by ClinVar (database versions not stated): gnomAD exomes below 0.00001; ExAC 0.00001; gnomAD 0.00001; TOPMed 0.00001.

Submissions (2):

Ambry Genetics
Classification: Uncertain significance for Inborn genetic diseases. Last evaluated: 2025-12-30. Review status: criteria provided, single submitter. Criteria: Ambry Variant Classification Scheme 2023. Collection method: clinical testing. Allele origin: germline.
Comment: The c.2930A>G (p.N977S) alteration is located in exon 5 (coding exon 4) of the NSD1 gene. This alteration results from a A to G substitution at nucleotide position 2930, causing the asparagine (N) at amino acid position 977 to be replaced by a serine (S). Based on data from gnomAD, the G allele has an overall frequency of <0.001% (1/251264) total alleles studied. The highest observed frequency was 0.001% (1/113626) of European (non-Finnish) alleles. Based on insufficient or conflicting evidence, the clinical significance of this alteration remains unclear.

Labcorp Genetics (formerly Invitae), Labcorp
Classification: Likely benign. Last evaluated: 2022-10-19. Review status: criteria provided, single submitter. Criteria: Invitae Variant Classification Sherloc (09022015). Collection method: clinical testing. Allele origin: germline.

NM_022455.5(NSD1):c.2930A>G (p.Asn977Ser)

Gene: NSD1 (nuclear receptor binding SET domain protein 1; plus strand). Cytogenetic location: 5q35.3.
Variant type: single nucleotide variant.
Coding change: c.2930A>G on transcript NM_022455.5 (MANE Select); coding-DNA position 2930, A replaced by G.
Protein change: p.Asn977Ser; replaces asparagine 977 with serine.
Molecular consequence: missense variant.
Genome position (GRCh38, 1-based): chr5:177,211,329, A>G. VCF-style: chr5-177211329-A-G. GRCh37 (hg19) VCF-style: chr5-176638330-A-G.
Other names: c.2057A>G, p.Asn686Ser (NM_001365684.2, NM_001409306.1, NM_001409307.1 and 3 more transcripts); c.2930A>G, p.Asn977Ser (NM_001409301.1, NM_001409302.1, NM_001409303.1); c.2510A>G, p.Asn837Ser (NM_001409304.1); c.2177A>G, p.Asn726Ser (NM_001409305.1); short protein forms N686S, N708S, N726S, N837S, N977S.
Identifiers: ClinVar variation 2420475 (VCV002420475.8), dbSNP rs754887036, ClinGen allele CA3577337.
Genomic context (GRCh38, chr5:177,211,329, plus strand): 5'-TTTCAGGAGGCTCCACACACAATTCAGAGAAAAAGGGAGATGGCACTCAGAACTCCGCCA[A>G]TCCTAGCCCTAGTGGGGGTGACTCTGCATTATCTGGCGAGTTGTCTGCTTCCCTACCTGG-3'
Protein context (NP_071900.2, residues 967-987): KKGDGTQNSA[Asn977Ser]PSPSGGDSAL